The following is an entry in ClinVar:

NM_000051.4(ATM):c.8659C>G (p.His2887Asp)

Genes: ATM (ATM serine/threonine kinase; plus strand), C11orf65 (chromosome 11 open reading frame 65; minus strand). Cytogenetic location: 11q22.3.
Variant type: single nucleotide variant.
Coding change: c.8659C>G on transcript NM_000051.4 (MANE Select); coding-DNA position 8659, C replaced by G.
Protein change: p.His2887Asp; replaces histidine 2887 with aspartic acid.
Molecular consequence: missense variant. On other transcripts: intron variant (2).
Genome position (GRCh38, 1-based): chr11:108,347,353, C>G. VCF-style: chr11-108347353-C-G. GRCh37 (hg19) VCF-style: chr11-108218080-C-G.
Other names: c.8659C>G, p.His2887Asp (NM_001351834.2); c.641-38282G>C (NM_001330368.2); c.695-12061G>C (NM_001351110.2); short protein forms H2887D.
Identifiers: ClinVar variation 642280 (VCV000642280.13), dbSNP rs1591274530, ClinGen allele CA382521192.

ClinVar aggregate classification (germline): Conflicting classifications of pathogenicity. Review status: criteria provided, conflicting classifications (1 of 4 stars). 7 submissions from 7 submitters: Likely pathogenic (3); Uncertain significance (1). 3 of the submissions do not count toward it. Last evaluated 2024-06-21.

Conditions:
Hereditary cancer-predisposing syndrome. Also called: Tumor predisposition; Hereditary neoplastic syndrome; Neoplastic Syndromes, Hereditary; Hereditary Cancer Syndrome. Identifiers: Orphanet 140162, MedGen C0027672, MeSH D009386, MONDO:0015356.
Ataxia-telangiectasia syndrome (AT). Also called: Ataxia-telangiectasia, complementation group D; AT, COMPLEMENTATION GROUP C; ATAXIA-TELANGIECTASIA, COMPLEMENTATION GROUP A; ATAXIA-TELANGIECTASIA, FRESNO VARIANT; Ataxia-telangiectasia; LOUIS-BAR SYNDROME. Identifiers: Orphanet 100, MedGen C0004135, MONDO:0008840, OMIM 208900.

gnomAD v4.1: 2 of 1,599,912 alleles (0.00013%); highest among the groups gnomAD compares: Non-Finnish European, 0.00017%; no homozygotes.

Submissions (7):

Labcorp Genetics (formerly Invitae), Labcorp
Classification: Uncertain significance for Ataxia-telangiectasia syndrome. Last evaluated: 2024-06-21. Review status: criteria provided, single submitter. Criteria: Invitae Variant Classification Sherloc (09022015). Collection method: clinical testing. Allele origin: germline.
Comment: This sequence change replaces histidine, which is basic and polar, with aspartic acid, which is acidic and polar, at codon 2887 of the ATM protein (p.His2887Asp). This variant is not present in population databases (gnomAD no frequency). This missense change has been observed in individuals with breast cancer and ataxia-telangiectasia (PMID: 17393301, 19781682, 23322442). ClinVar contains an entry for this variant (Variation ID: 642280). An algorithm developed to predict the effect of missense changes on protein structure and function (PolyPhen-2) suggests that this variant is likely to be disruptive. In summary, the available evidence is currently insufficient to determine the role of this variant in disease. Therefore, it has been classified as a Variant of Uncertain Significance.

Ambry Genetics
Classification: Likely pathogenic for Hereditary cancer-predisposing syndrome. Last evaluated: 2024-06-12. Review status: criteria provided, single submitter. Criteria: Ambry Variant Classification Scheme 2023. Collection method: clinical testing. Allele origin: germline.
Comment: The p.H2887D variant (also known as c.8659C>G), located in coding exon 58 of the ATM gene, results from a C to G substitution at nucleotide position 8659. The histidine at codon 2887 is replaced by aspartic acid, an amino acid with similar properties. This variant was identified in multiple individuals with a personal history of breast cancer (Broeks A et al. Breast Cancer Res Treat, 2008 Jan;107:243-8; Tavtigian SV et al. Am J Hum Genet, 2009 Oct;85:427-46). This variant has been identified in the homozygous state and/or in conjunction with other ATM variant(s) in individual(s) with features consistent with ataxia telangiectasia (Jeddane L et al. Neuromolecular Med, 2013 Jun;15:288-94). This amino acid position is highly conserved in available vertebrate species. In addition, this alteration is predicted to be deleterious by in silico analysis. This variant is considered to be rare based on population cohorts in the Genome Aggregation Database (gnomAD). Based on the majority of available evidence to date, this variant is likely to be pathogenic.

Natera, Inc.
Classification: Likely pathogenic for Ataxia-telangiectasia. Last evaluated: 2024-04-30. Review status: criteria provided, single submitter. Criteria: Natera Variant Classification Schema (03/2026). Collection method: clinical testing. Allele origin: germline.
Comment: The c.8659C>G variant in ATM is a missense variant predicted to cause substitution of histidine to aspartic acid at amino acid 2887. This variant is rare in the general population with a frequency below the threshold expected for the associated phenotype(s). This variant has been observed in one or more individuals affected with the associated recessive disease, as either homozygous or compound heterozygous with a second variant (PMID: 36367635, 23322442). This variant has been identified in one or more affected individuals with a phenotype highly consistent with the associated gene (PMID: 23322442, 36367635). Computational prediction algorithms indicate this variant is likely to affect gene or protein function. Given the available evidence, this variant is classified as Likely Pathogenic.

3billion
Classification: Likely pathogenic for Ataxia-telangiectasia syndrome. Last evaluated: 2023-12-07. Review status: criteria provided, single submitter. Criteria: ACMG Guidelines, 2015. Collection method: clinical testing. Allele origin: germline. Affected: yes.
Comment: The variant is not observed in the gnomAD v2.1.1 dataset. Predicted Consequence/Location: Missense variant In silico tool predictions suggest damaging effect of the variant on gene or gene product [REVEL: 0.91 (>=0.6, sensitivity 0.68 and specificity 0.92); 3Cnet: 0.99 (>=0.6, sensitivity 0.72 and precision 0.9)]. Same nucleotide change resulting in same amino acid change has been previously reported to be associated with ATM-related disorder (PMID: 19781682). The variant has been reported to be in trans with a pathogenic variant as either compound heterozygous or homozygous in at least one similarly affected unrelated individual (PMID: 23322442). Therefore, this variant is classified as Likely pathogenic according to the recommendation of ACMG/AMP guideline.

Diagnostic Laboratory, Department of Genetics, University Medical Center Groningen
Classification: Uncertain significance. Review status: no assertion criteria provided. Collection method: clinical testing. Allele origin: germline. Affected: yes. Study: VKGL Data-share Consensus. Not counted in ClinVar's aggregate classification.

Genome Diagnostics Laboratory, Amsterdam University Medical Center
Classification: Uncertain significance. Review status: no assertion criteria provided. Collection method: clinical testing. Allele origin: germline. Affected: yes. Study: VKGL Data-share Consensus. Not counted in ClinVar's aggregate classification.

Laboratory of Diagnostic Genome Analysis, Leiden University Medical Center (LUMC)
Classification: Uncertain significance. Review status: no assertion criteria provided. Collection method: clinical testing. Allele origin: germline. Affected: yes. Study: VKGL Data-share Consensus. Not counted in ClinVar's aggregate classification.

Literature cited by the submitters: PubMed 17393301 (cited by Labcorp Genetics (formerly Invitae), Labcorp and Ambry Genetics); PubMed 19781682 (cited by 3 submitters); PubMed 23322442 (cited by 4 submitters); PubMed 36367635 (cited by Natera, Inc.).